The following is an entry in ClinVar:

NM_001135649.3(FOXI3):c.46G>T (p.Gly16Cys)

Gene: FOXI3 (forkhead box I3; minus strand). Cytogenetic location: 2p11.2.
Variant type: single nucleotide variant.
Coding change: c.46G>T on transcript NM_001135649.3 (MANE Select); coding-DNA position 46, G replaced by T.
Protein change: p.Gly16Cys; replaces glycine 16 with cysteine.
Molecular consequence: missense variant.
Genome position (GRCh38, 1-based): chr2:88,452,490, C>A on the plus strand (G>T on the coding strand, the complement: FOXI3 is on the minus strand). VCF-style: chr2-88452490-C-A. GRCh37 (hg19) VCF-style: chr2-88752008-C-A.
Other names: short protein forms G16C.
Identifiers: ClinVar variation 1950981 (VCV001950981.5), dbSNP rs1446560681, ClinGen allele CA347767161.

ClinVar aggregate classification (germline): Uncertain significance (1 of 4 stars; one submission).

Allele frequency attached by ClinVar (database versions not stated): gnomAD exomes below 0.00001; TOPMed below 0.00001; gnomAD 0.00001.

Submission:

Labcorp Genetics (formerly Invitae), Labcorp
Classification: Uncertain significance. Last evaluated: 2025-04-14. Review status: criteria provided, single submitter. Criteria: Invitae Variant Classification Sherloc (09022015). Collection method: clinical testing. Allele origin: germline.
Comment: This sequence change replaces glycine, which is neutral and non-polar, with cysteine, which is neutral and slightly polar, at codon 16 of the FOXI3 protein (p.Gly16Cys). This variant is present in population databases (no rsID available, gnomAD 0.007%). This variant has not been reported in the literature in individuals affected with FOXI3-related conditions. ClinVar contains an entry for this variant (Variation ID: 1950981). Experimental studies and prediction algorithms are not available or were not evaluated, and the functional significance of this variant is currently unknown. In summary, the available evidence is currently insufficient to determine the role of this variant in disease. Therefore, it has been classified as a Variant of Uncertain Significance.